The following is an entry in ClinVar:

ClinVar aggregate classification (germline): Likely benign (1 of 4 stars; one submission).

Allele frequency attached by ClinVar (database versions not stated): gnomAD 0.00001.
gnomAD v4.1: 32 of 1,494,890 alleles (0.0021%); highest among the groups gnomAD compares: Non-Finnish European, 0.0028%; no homozygotes.

Submission:

CeGaT Center for Human Genetics Tuebingen
Classification: Likely benign. Last evaluated: 2023-01-01. Review status: criteria provided, single submitter. Criteria: CeGaT Center For Human Genetics Tuebingen Variant Classification Criteria Version 2. Collection method: clinical testing. Allele origin: germline. Affected: yes. Observed: 1 variant allele.
Comment: BIRC6: BP4, BP7

NM_016252.4(BIRC6):c.3582A>G (p.Leu1194=)

Gene: BIRC6 (baculoviral IAP repeat containing 6; plus strand). Cytogenetic location: 2p22.3.
Variant type: single nucleotide variant.
Coding change: c.3582A>G on transcript NM_016252.4 (MANE Select); coding-DNA position 3582, A replaced by G.
Protein change: p.Leu1194=; no amino-acid change (leucine 1194 retained).
Molecular consequence: synonymous variant.
Genome position (GRCh38, 1-based): chr2:32,436,135, A>G. VCF-style: chr2-32436135-A-G. GRCh37 (hg19) VCF-style: chr2-32661203-A-G.
Other names: c.3540A>G, p.Leu1180= (NM_001378125.1).
Identifiers: ClinVar variation 2650812 (VCV002650812.24), dbSNP rs910921413, ClinGen allele CA44770961.